The following is an entry in ClinVar:

NM_000342.4(SLC4A1):c.1319T>A (p.Leu440Gln)

Gene: SLC4A1 (solute carrier family 4 member 1 (Diego blood group); minus strand). Cytogenetic location: 17q21.31.
Variant type: single nucleotide variant.
Coding change: c.1319T>A on transcript NM_000342.4 (MANE Select); coding-DNA position 1319, T replaced by A.
Protein change: p.Leu440Gln; replaces leucine 440 with glutamine.
Molecular consequence: missense variant.
Genome position (GRCh38, 1-based): chr17:44,257,771, A>T on the plus strand (T>A on the coding strand, the complement: SLC4A1 is on the minus strand). VCF-style: chr17-44257771-A-T. GRCh37 (hg19) VCF-style: chr17-42335139-A-T.
Other names: short protein forms L440Q.
Identifiers: ClinVar variation 1333473 (VCV001333473.1), dbSNP rs2144613306, ClinGen allele CA399787666.

ClinVar aggregate classification (germline): Uncertain significance (1 of 4 stars; one submission).

Conditions:
Renal tubular acidosis, distal, 4, with hemolytic anemia. Also called: Renal Tubular Acidosis, Distal, with Hemolytic Anemia. Identifiers: Orphanet 93610, MedGen C5436235, MONDO:0012700, OMIM 611590.

Submission:

3billion
Classification: Uncertain significance for Renal tubular acidosis, distal, 4, with hemolytic anemia. Last evaluated: 2022-01-03. Review status: criteria provided, single submitter. Criteria: ACMG Guidelines, 2015. Collection method: clinical testing. Allele origin: germline. Affected: yes. Observed: 1 heterozygote.
Comment: The variant is not observed in the gnomAD v2.1.1 dataset (PM2_M). In silico tool predictions suggest damaging effect of the variant on gene or gene product (REVEL: 0.771, PP3_P). A missense variant is a common mechanism associated with Distal renal tubular acidosis 4 with hemolytic anemia (PP2_P). Therefore, this variant is classified as uncertain significance according to the recommendation of ACMG/AMP guideline.